The following is an entry in ClinVar:

ClinVar aggregate classification (germline): Uncertain significance. Review status: criteria provided, multiple submitters, no conflicts (2 of 4 stars). 2 submissions from 2 submitters: Uncertain significance (2). Last evaluated 2025-12-01.

Allele frequency attached by ClinVar (database versions not stated): gnomAD exomes 0.00002; 1000 Genomes Project 30x 0.00016; ExAC 0.00006; 1000 Genomes Project 0.00020; gnomAD 0.00001.
gnomAD v4.1: 27 of 1,613,620 alleles (0.0017%); highest among the groups gnomAD compares: Middle Eastern, 0.033%; no homozygotes.

Submissions (2):

Labcorp Genetics (formerly Invitae), Labcorp
Classification: Uncertain significance. Last evaluated: 2025-12-01. Review status: criteria provided, single submitter. Criteria: Invitae Variant Classification Sherloc (09022015). Collection method: clinical testing. Allele origin: germline.
Comment: This sequence change replaces arginine, which is basic and polar, with glutamine, which is neutral and polar, at codon 311 of the BACH2 protein (p.Arg311Gln). This variant is present in population databases (rs199896159, gnomAD 0.02%). This variant has not been reported in the literature in individuals affected with BACH2-related conditions. ClinVar contains an entry for this variant (Variation ID: 2723063). Invitae Evidence Modeling of protein sequence and biophysical properties (such as structural, functional, and spatial information, amino acid conservation, physicochemical variation, residue mobility, and thermodynamic stability) indicates that this missense variant is not expected to disrupt BACH2 protein function with a negative predictive value of 80%. In summary, the available evidence is currently insufficient to determine the role of this variant in disease. Therefore, it has been classified as a Variant of Uncertain Significance.

Ambry Genetics
Classification: Uncertain significance. Last evaluated: 2024-06-19. Review status: criteria provided, single submitter. Criteria: Ambry Variant Classification Scheme 2023. Collection method: clinical testing. Allele origin: germline.

NM_021813.4(BACH2):c.932G>A (p.Arg311Gln)

Gene: BACH2 (BACH transcriptional regulator 2; minus strand). Cytogenetic location: 6q15.
Variant type: single nucleotide variant.
Coding change: c.932G>A on transcript NM_021813.4 (MANE Select); coding-DNA position 932, G replaced by A.
Protein change: p.Arg311Gln; replaces arginine 311 with glutamine.
Molecular consequence: missense variant.
Genome position (GRCh38, 1-based): chr6:89,951,174, C>T on the plus strand (G>A on the coding strand, the complement: BACH2 is on the minus strand). VCF-style: chr6-89951174-C-T. GRCh37 (hg19) VCF-style: chr6-90660893-C-T.
Other names: c.932G>A (NM_021813.2); c.932G>A, p.Arg311Gln (NM_001170794.2); short protein forms R311Q.
Identifiers: ClinVar variation 2723063 (VCV002723063.4), dbSNP rs199896159, ClinGen allele CA3928080.